The following is an entry in ClinVar:

NM_152468.5(TMC8):c.1196T>C (p.Ile399Thr)

Gene: TMC8 (transmembrane channel like 8; plus strand). Cytogenetic location: 17q25.3.
Variant type: single nucleotide variant.
Coding change: c.1196T>C on transcript NM_152468.5 (MANE Select); coding-DNA position 1196, T replaced by C.
Protein change: p.Ile399Thr; replaces isoleucine 399 with threonine.
Molecular consequence: missense variant.
Genome position (GRCh38, 1-based): chr17:78,137,303, T>C. VCF-style: chr17-78137303-T-C. GRCh37 (hg19) VCF-style: chr17-76133384-T-C.
Other names: short protein forms I399T.
Identifiers: ClinVar variation 2166776 (VCV002166776.6), dbSNP rs757338835, ClinGen allele CA8796751.
Genomic context (GRCh38, chr17:78,137,303, plus strand): 5'-TGCTGAAGCTGGCCAGCTTGGGGATGTTCTCCGTCTCCCTGGGTCAGACCATACTGTGCA[T>C]TGGCAGAGACAAGAGCAGCTGTGAGTCCTACGGCTACAACGTTTGTGACTATCAGGTGGC-3'
Protein context (NP_689681.2, residues 389-409): SVSLGQTILC[Ile399Thr]GRDKSSCESY

ClinVar aggregate classification (germline): Uncertain significance. Review status: criteria provided, multiple submitters, no conflicts (2 of 4 stars). 2 submissions from 2 submitters: Uncertain significance (2). Last evaluated 2025-04-07.

Conditions:
Epidermodysplasia verruciformis. Identifiers: Orphanet 302, MedGen C0014522, MONDO:0009176.
Inborn genetic diseases. Identifiers: MedGen C0950123, MeSH D030342.

Allele frequency attached by ClinVar (database versions not stated): gnomAD exomes below 0.00001; ExAC 0.00001; gnomAD 0.00001; TOPMed 0.00001.
gnomAD v4.1: 6 of 1,613,900 alleles (0.00037%); highest among the groups gnomAD compares: African/African-American, 0.0027%; no homozygotes.

Submissions (2):

Labcorp Genetics (formerly Invitae), Labcorp
Classification: Uncertain significance for Epidermodysplasia verruciformis. Last evaluated: 2025-04-07. Review status: criteria provided, single submitter. Criteria: Invitae Variant Classification Sherloc (09022015). Collection method: clinical testing. Allele origin: germline.
Comment: This sequence change replaces isoleucine, which is neutral and non-polar, with threonine, which is neutral and polar, at codon 399 of the TMC8 protein (p.Ile399Thr). This variant is present in population databases (rs757338835, gnomAD 0.0009%). This variant has not been reported in the literature in individuals affected with TMC8-related conditions. ClinVar contains an entry for this variant (Variation ID: 2166776). An algorithm developed to predict the effect of missense changes on protein structure and function (PolyPhen-2) suggests that this variant is likely to be tolerated. In summary, the available evidence is currently insufficient to determine the role of this variant in disease. Therefore, it has been classified as a Variant of Uncertain Significance.

Ambry Genetics
Classification: Uncertain significance for Inborn genetic diseases. Last evaluated: 2023-05-03. Review status: criteria provided, single submitter. Criteria: Ambry Variant Classification Scheme 2023. Collection method: clinical testing. Allele origin: germline.